The following is an entry in ClinVar:

ClinVar aggregate classification (germline): Uncertain significance. Review status: criteria provided, multiple submitters, no conflicts (2 of 4 stars). 2 submissions from 2 submitters: Uncertain significance (2). Last evaluated 2024-01-03.

Conditions:
Cardiovascular phenotype. Identifiers: MedGen CN230736.

Allele frequency attached by ClinVar (database versions not stated): ExAC 0.00001; TOPMed 0.00002; gnomAD 0.00003; gnomAD exomes 0.00003; ESP Exome Variant Server 0.00008.
gnomAD v4.1: 47 of 1,612,756 alleles (0.0029%); highest among the groups gnomAD compares: Middle Eastern, 0.016%; 1 homozygote.

Submissions (2):

Ambry Genetics
Classification: Uncertain significance for Cardiovascular phenotype. Last evaluated: 2024-01-03. Review status: criteria provided, single submitter. Criteria: Ambry Variant Classification Scheme 2023. Collection method: clinical testing. Allele origin: germline.

Labcorp Genetics (formerly Invitae), Labcorp
Classification: Uncertain significance. Last evaluated: 2022-08-09. Review status: criteria provided, single submitter. Criteria: Invitae Variant Classification Sherloc (09022015). Collection method: clinical testing. Allele origin: germline.
Comment: This sequence change replaces alanine, which is neutral and non-polar, with valine, which is neutral and non-polar, at codon 429 of the LMF1 protein (p.Ala429Val). The frequency data for this variant in the population databases is considered unreliable, as metrics indicate poor data quality at this position in the gnomAD database. This variant has not been reported in the literature in individuals affected with LMF1-related conditions. Algorithms developed to predict the effect of missense changes on protein structure and function are either unavailable or do not agree on the potential impact of this missense change (SIFT: "Tolerated"; PolyPhen-2: "Possibly Damaging"; Align-GVGD: "Class C0"). Algorithms developed to predict the effect of sequence changes on RNA splicing suggest that this variant may create or strengthen a splice site. In summary, the available evidence is currently insufficient to determine the role of this variant in disease. Therefore, it has been classified as a Variant of Uncertain Significance.

NM_022773.4(LMF1):c.1286C>T (p.Ala429Val)

Gene: LMF1 (lipase maturation factor 1; minus strand). Cytogenetic location: 16p13.3.
Variant type: single nucleotide variant.
Coding change: c.1286C>T on transcript NM_022773.4 (MANE Select); coding-DNA position 1286, C replaced by T.
Protein change: p.Ala429Val; replaces alanine 429 with valine.
Molecular consequence: missense variant. On other transcripts: non-coding transcript variant (1).
Genome position (GRCh38, 1-based): chr16:870,013, G>A on the plus strand (C>T on the coding strand, the complement: LMF1 is on the minus strand). VCF-style: chr16-870013-G-A. GRCh37 (hg19) VCF-style: chr16-920013-G-A.
Other names: c.635C>T, p.Ala212Val (NM_001352017.2, NM_001352021.2); c.887C>T, p.Ala296Val (NM_001352018.2); c.959C>T, p.Ala320Val (NM_001352019.2); c.1286C>T, p.Ala429Val (NM_001352020.1); c.1286C>T (NM_022773.2); short protein forms A212V, A296V, A429V, A320V.
Identifiers: ClinVar variation 2167403 (VCV002167403.2), dbSNP rs371223508, ClinGen allele CA7797078.